The following is an entry in ClinVar:

NM_177438.3(DICER1):c.3976G>A (p.Ala1326Thr)

Gene: DICER1 (dicer 1, ribonuclease III; minus strand). Cytogenetic location: 14q32.13.
Variant type: single nucleotide variant.
Coding change: c.3976G>A on transcript NM_177438.3 (MANE Select); coding-DNA position 3976, G replaced by A.
Protein change: p.Ala1326Thr; replaces alanine 1326 with threonine.
Molecular consequence: missense variant.
Genome position (GRCh38, 1-based): chr14:95,103,420, C>T on the plus strand (G>A on the coding strand, the complement: DICER1 is on the minus strand). VCF-style: chr14-95103420-C-T. GRCh37 (hg19) VCF-style: chr14-95569757-C-T.
Other names: c.3976G>A, p.Ala1326Thr (NM_001195573.1, NM_001271282.3, NM_001291628.2 and 1 more transcripts); short protein forms A1326T.
Identifiers: ClinVar variation 861397 (VCV000861397.14), dbSNP rs1891075887, ClinGen allele CA390873040.
Genomic context (GRCh38, chr14:95,103,420, plus strand): 5'-TATATGAAAGGCGGCCCTCATGCGCATCAGGGTAAGTGCAAAATAGATATGTGGTGATGG[C>T]ATGCTTTAAAAAGGAGTCGCCAAGCATTTCAAGCCGCTCCAGGTTAAATCCATCACTAGC-3'
Protein context (NP_803187.1, residues 1316-1336): EMLGDSFLKH[Ala1326Thr]ITTYLFCTYP

ClinVar aggregate classification (germline): Uncertain significance. Review status: criteria provided, multiple submitters, no conflicts (2 of 4 stars). 2 submissions from 2 submitters: Uncertain significance (2). Last evaluated 2025-07-25.

Conditions:
DICER1-related tumor predisposition. Also called: DICER1 syndrome; DICER1-related pleuropulmonary blastoma cancer predisposition syndrome. Identifiers: Orphanet 284343, MedGen C3839822, MONDO:0100216.
Hereditary cancer-predisposing syndrome. Also called: Hereditary neoplastic syndrome; Tumor predisposition; Neoplastic Syndromes, Hereditary; Hereditary Cancer Syndrome. Identifiers: Orphanet 140162, MedGen C0027672, MeSH D009386, MONDO:0015356.

Submissions (2):

Ambry Genetics
Classification: Uncertain significance for Hereditary cancer-predisposing syndrome. Last evaluated: 2025-07-25. Review status: criteria provided, single submitter. Criteria: Ambry Variant Classification Scheme 2023. Collection method: clinical testing. Allele origin: germline.
Comment: The p.A1326T variant (also known as c.3976G>A), located in coding exon 20 of the DICER1 gene, results from a G to A substitution at nucleotide position 3976. The alanine at codon 1326 is replaced by threonine, an amino acid with similar properties. This amino acid position is highly conserved in available vertebrate species. In addition, this alteration is predicted to be deleterious by in silico analysis. Based on the available evidence, the clinical significance of this variant remains unclear.

Labcorp Genetics (formerly Invitae), Labcorp
Classification: Uncertain significance for DICER1-related tumor predisposition. Last evaluated: 2019-03-30. Review status: criteria provided, single submitter. Criteria: Invitae Variant Classification Sherloc (09022015). Collection method: clinical testing. Allele origin: germline.
Comment: This sequence change replaces alanine with threonine at codon 1326 of the DICER1 protein (p.Ala1326Thr). The alanine residue is highly conserved and there is a small physicochemical difference between alanine and threonine. In summary, the available evidence is currently insufficient to determine the role of this variant in disease. Therefore, it has been classified as a Variant of Uncertain Significance. Algorithms developed to predict the effect of missense changes on protein structure and function (SIFT, PolyPhen-2, Align-GVGD) all suggest that this variant is likely to be disruptive, but these predictions have not been confirmed by published functional studies and their clinical significance is uncertain. This variant has not been reported in the literature in individuals with DICER1-related conditions. This variant is not present in population databases (ExAC no frequency).